The following is an entry in ClinVar:

NM_058216.3(RAD51C):c.325G>T (p.Asp109Tyr)

Gene: RAD51C (RAD51 paralog C; plus strand). Cytogenetic location: 17q22.
Variant type: single nucleotide variant.
Coding change: c.325G>T on transcript NM_058216.3 (MANE Select); coding-DNA position 325, G replaced by T.
Protein change: p.Asp109Tyr; replaces aspartic acid 109 with tyrosine.
Molecular consequence: missense variant. On other transcripts: non-coding transcript variant (2).
Genome position (GRCh38, 1-based): chr17:58,695,110, G>T. VCF-style: chr17-58695110-G-T. GRCh37 (hg19) VCF-style: chr17-56772471-G-T.
Other names: c.325G>T (NM_058216.1); c.325G>T, p.Asp109Tyr (NM_002876.4); short protein forms D109Y.
Identifiers: ClinVar variation 490122 (VCV000490122.12), dbSNP rs778313181, ClinGen allele CA8677197.

ClinVar aggregate classification (germline): Conflicting classifications of pathogenicity. Review status: criteria provided, conflicting classifications (1 of 4 stars). 4 submissions from 4 submitters: Uncertain significance (2); Likely benign (2). Last evaluated 2024-10-09.

Conditions:
Hereditary cancer-predisposing syndrome. Also called: Tumor predisposition; Neoplastic Syndromes, Hereditary; Hereditary Cancer Syndrome; Hereditary neoplastic syndrome. Identifiers: Orphanet 140162, MedGen C0027672, MeSH D009386, MONDO:0015356.
Fanconi anemia complementation group O. Also called: RAD51C-Related Fanconi Anemia. Identifiers: Orphanet 84, MedGen C3150653, MONDO:0013248, OMIM 613390.

Allele frequency attached by ClinVar (database versions not stated): gnomAD exomes below 0.00001; ExAC 0.00001.
gnomAD v4.1: 1 of 1,614,128 alleles (0.000062%); highest among the groups gnomAD compares: Non-Finnish European, 0.000085%; no homozygotes.

Submissions (4):

Ambry Genetics
Classification: Likely benign for Hereditary cancer-predisposing syndrome. Last evaluated: 2024-10-09. Review status: criteria provided, single submitter. Criteria: Ambry Variant Classification Scheme 2023. Collection method: clinical testing. Allele origin: germline.

Color Diagnostics, LLC DBA Color Health
Classification: Likely benign for Hereditary cancer-predisposing syndrome. Last evaluated: 2024-09-05. Review status: criteria provided, single submitter. Criteria: ACMG Guidelines, 2015. Collection method: clinical testing. Allele origin: germline.

GeneDx
Classification: Uncertain significance. Last evaluated: 2024-09-03. Review status: criteria provided, single submitter. Criteria: GeneDx Variant Classification Process June 2021. Collection method: clinical testing. Allele origin: germline. Affected: yes.
Comment: Not observed at significant frequency in large population cohorts (gnomAD); In silico analysis supports that this missense variant has a deleterious effect on protein structure/function; Published functional studies demonstrate homology-directed repair activity similar to wildtype (PMID: 37253112); This variant is associated with the following publications: (PMID: 14704354, 37253112)

Labcorp Genetics (formerly Invitae), Labcorp
Classification: Uncertain significance for Fanconi anemia complementation group O. Last evaluated: 2022-01-17. Review status: criteria provided, single submitter. Criteria: Invitae Variant Classification Sherloc (09022015). Collection method: clinical testing. Allele origin: germline.
Comment: Algorithms developed to predict the effect of missense changes on protein structure and function are either unavailable or do not agree on the potential impact of this missense change (SIFT: "Deleterious"; PolyPhen-2: "Benign"; Align-GVGD: "Class C0"). ClinVar contains an entry for this variant (Variation ID: 490122). This variant has not been reported in the literature in individuals affected with RAD51C-related conditions. This variant is present in population databases (rs778313181, gnomAD 0.0009%). This sequence change replaces aspartic acid, which is acidic and polar, with tyrosine, which is neutral and polar, at codon 109 of the RAD51C protein (p.Asp109Tyr). In summary, the available evidence is currently insufficient to determine the role of this variant in disease. Therefore, it has been classified as a Variant of Uncertain Significance.